The following is an entry in ClinVar:

ClinVar aggregate classification (germline): Uncertain significance. Review status: criteria provided, multiple submitters, no conflicts (2 of 4 stars). 3 submissions from 3 submitters: Uncertain significance (3). Last evaluated 2024-03-06.

Conditions:
Catecholaminergic polymorphic ventricular tachycardia (CVPT). Also called: Catecholamine-induced polymorphic ventricular tachycardia. Identifiers: Orphanet 3286, MedGen C5574922, MONDO:0017990.
Catecholaminergic polymorphic ventricular tachycardia 1. Also called: VENTRICULAR TACHYCARDIA, CATECHOLAMINERGIC POLYMORPHIC, 1, WITH OR WITHOUT ATRIAL DYSFUNCTION AND/OR DILATED CARDIOMYOPATHY; VENTRICULAR TACHYCARDIA, STRESS-INDUCED POLYMORPHIC 1; RYR2-Related Catecholaminergic Polymorphic Ventricular Tachycardia. Identifiers: Orphanet 3286, MedGen C1631597, MONDO:0011484, OMIM 604772.
Cardiomyopathy (CMYO). Also called: Cardiomyopathies. Identifiers: Orphanet 167848, MedGen C0878544, MONDO:0004994, HP:0001638. Inheritance: Various modes of inheritance.

Allele frequency attached by ClinVar (database versions not stated): ExAC 0.00001; gnomAD exomes 0.00001.
gnomAD v4.1: 3 of 1,613,688 alleles (0.00019%); highest among the groups gnomAD compares: South Asian, 0.0011%; no homozygotes.

Submissions (3):

Color Diagnostics, LLC DBA Color Health
Classification: Uncertain significance for Cardiomyopathy. Last evaluated: 2024-03-06. Review status: criteria provided, single submitter. Criteria: ACMG Guidelines, 2015. Collection method: clinical testing. Allele origin: germline.
Comment: This missense variant replaces lysine with glutamic acid at codon 884 of the RYR2 protein. Computational prediction tools indicate that this variant has a deleterious impact on protein structure and function. To our knowledge, functional studies have not been reported for this variant. This variant has not been reported in individuals affected with RYR2-related disorders in the literature. This variant has been identified in 2/248998 chromosomes in the general population by the Genome Aggregation Database (gnomAD). The available evidence is insufficient to determine the role of this variant in disease conclusively. Therefore, this variant is classified as a Variant of Uncertain Significance.

All of Us Research Program, National Institutes of Health
Classification: Uncertain significance for Catecholaminergic polymorphic ventricular tachycardia. Last evaluated: 2024-01-03. Review status: criteria provided, single submitter. Criteria: ACMG Guidelines, 2015. Collection method: clinical testing. Allele origin: germline. Inheritance: Autosomal dominant inheritance. Observed: 1 variant allele, 1 heterozygote.
Comment: This missense variant replaces lysine with glutamic acid at codon 884 of the RYR2 protein. Computational prediction suggests that this variant may have deleterious impact on protein structure and function (internally defined REVEL score threshold >= 0.7, PMID: 27666373). Splice site prediction tools suggest that this variant may not impact RNA splicing. To our knowledge, functional studies have not been performed for this variant. This variant has not been reported in individuals affected with cardiovascular disorders in the literature. This variant has been identified in 2/248998 chromosomes in the general population by the Genome Aggregation Database (gnomAD). The available evidence is insufficient to determine the role of this variant in disease conclusively. Therefore, this variant is classified as a Variant of Uncertain Significance.

This study involves interpretation of variants in research participants for the purpose of population health screening. Participant phenotype was not available at the time of variant classification. Additional details can be found in publication PMID: 35346344, PMCID: PMC8962531

Labcorp Genetics (formerly Invitae), Labcorp
Classification: Uncertain significance for Catecholaminergic polymorphic ventricular tachycardia 1. Last evaluated: 2021-12-09. Review status: criteria provided, single submitter. Criteria: Invitae Variant Classification Sherloc (09022015). Collection method: clinical testing. Allele origin: germline.
Comment: In summary, the available evidence is currently insufficient to determine the role of this variant in disease. Therefore, it has been classified as a Variant of Uncertain Significance. Advanced modeling of protein sequence and biophysical properties (such as structural, functional, and spatial information, amino acid conservation, physicochemical variation, residue mobility, and thermodynamic stability) performed at Invitae indicates that this missense variant is expected to disrupt RYR2 protein function. ClinVar contains an entry for this variant (Variation ID: 926797). This variant has not been reported in the literature in individuals affected with RYR2-related conditions. This variant is present in population databases (rs767642846, gnomAD 0.003%). This sequence change replaces lysine, which is basic and polar, with glutamic acid, which is acidic and polar, at codon 884 of the RYR2 protein (p.Lys884Glu).

NM_001035.3(RYR2):c.2650A>G (p.Lys884Glu)

Gene: RYR2 (ryanodine receptor 2; plus strand). Cytogenetic location: 1q43.
Variant type: single nucleotide variant.
Coding change: c.2650A>G on transcript NM_001035.3 (MANE Select); coding-DNA position 2650, A replaced by G.
Protein change: p.Lys884Glu; replaces lysine 884 with glutamic acid.
Molecular consequence: missense variant.
Genome position (GRCh38, 1-based): chr1:237,506,746, A>G. VCF-style: chr1-237506746-A-G. GRCh37 (hg19) VCF-style: chr1-237670046-A-G.
Other names: short protein forms K884E.
Identifiers: ClinVar variation 926797 (VCV000926797.10), dbSNP rs767642846, ClinGen allele CA086105.